The following is an entry in ClinVar:

ClinVar aggregate classification (germline): Pathogenic/Likely pathogenic. Review status: criteria provided, multiple submitters, no conflicts (2 of 4 stars). 4 submissions from 4 submitters: Pathogenic (2); Likely pathogenic (1). 1 of the submissions does not count toward it. Last evaluated 2024-04-30.

Conditions:
Polyglandular autoimmune syndrome, type 1 (APS1). Also called: AUTOIMMUNE POLYENDOCRINE SYNDROME, TYPE I, WITH OR WITHOUT REVERSIBLE METAPHYSEAL DYSPLASIA; APS I; Whitaker syndrome; Autoimmune polyendocrine syndrome type 1; Autoimmune polyendocrinopathy syndrome , type I, with or without reversible metaphyseal dysplasia; Autoimmune polyendocrinopathy syndrome, type I. Identifiers: Orphanet 3453, MedGen C0085859, MONDO:0009411, OMIM 240300.

Submissions (4):

Fulgent Genetics
Classification: Likely pathogenic for Polyglandular autoimmune syndrome, type 1. Last evaluated: 2024-04-30. Review status: criteria provided, single submitter. Criteria: ACMG Guidelines, 2015. Collection method: clinical testing. Allele origin: germline.

Labcorp Genetics (formerly Invitae), Labcorp
Classification: Pathogenic for Polyglandular autoimmune syndrome, type 1. Last evaluated: 2024-02-28. Review status: criteria provided, single submitter. Criteria: Invitae Variant Classification Sherloc (09022015). Collection method: clinical testing. Allele origin: germline.
Comment: This sequence change creates a premature translational stop signal (p.Arg494Trpfs*26) in the AIRE gene. While this is not anticipated to result in nonsense mediated decay, it is expected to disrupt the last 52 amino acid(s) of the AIRE protein. This variant is not present in population databases (gnomAD no frequency). This variant has not been reported in the literature in individuals affected with AIRE-related conditions. ClinVar contains an entry for this variant (Variation ID: 371185). This variant disrupts a region of the AIRE protein in which other variant(s) (p.Pro539Leu) have been determined to be pathogenic (PMID: 11836330, 15811934, 17289071, 21295522, 28446514). This suggests that this is a clinically significant region of the protein, and that variants that disrupt it are likely to be disease-causing. For these reasons, this variant has been classified as Pathogenic.

National Institute of Allergy and Infectious Diseases - Centralized Sequencing Program, National Institutes of Health
Classification: Pathogenic for APECED. Last evaluated: 2023-09-14. Review status: criteria provided, single submitter. Criteria: ACMG Guidelines, 2015. Collection method: clinical testing. Allele origin: germline. Affected: yes.

Counsyl
Classification: Likely pathogenic for Polyglandular autoimmune syndrome, type 1. Last evaluated: 2016-07-20. Review status: no assertion criteria provided. Collection method: clinical testing. Allele origin: unknown. Not counted in ClinVar's aggregate classification.

Literature cited by the submitters: PubMed 11836330 (cited by Labcorp Genetics (formerly Invitae), Labcorp); PubMed 15811934 (cited by Labcorp Genetics (formerly Invitae), Labcorp); PubMed 17289071 (cited by Labcorp Genetics (formerly Invitae), Labcorp); PubMed 21295522 (cited by Labcorp Genetics (formerly Invitae), Labcorp); PubMed 28446514 (cited by Labcorp Genetics (formerly Invitae), Labcorp); PubMed 35753512 (cited by National Institute of Allergy and Infectious Diseases - Centralized Sequencing Program, National Institutes of Health).

NM_000383.4(AIRE):c.1480_1483del (p.Arg494fs)

Gene: AIRE (autoimmune regulator; plus strand). Cytogenetic location: 21q22.3.
Variant type: Microsatellite.
Coding change: c.1480_1483del on transcript NM_000383.4 (MANE Select); coding-DNA positions 1480 to 1483, 4 bases deleted (CGCC; older notation c.1480_1483delCGCC).
Protein change: p.Arg494fs; shifts the reading frame from arginine 494.
Molecular consequence: frameshift variant.
Genome position (GRCh38, 1-based): chr21:44,294,480-44,294,483, CGCC deleted; deleting any 4 consecutive bases within chr21:44,294,474-44,294,483 gives the same sequence; the c. name uses the placement nearest the transcript's 3' end. VCF-style (leftmost placement, unchanged base first): chr21-44294473-CCCCG-C. GRCh37 (hg19) VCF-style: chr21-45714356-CCCCG-C.
Other names: short protein forms R494fs.
Identifiers: ClinVar variation 371185 (VCV000371185.12), dbSNP rs1057517072, ClinGen allele CA16042022.